The following is an entry in ClinVar:

ClinVar aggregate classification (germline): Likely benign. Review status: criteria provided, multiple submitters, no conflicts (2 of 4 stars). 2 submissions from 2 submitters: Likely benign (2). Last evaluated 2026-03-01.

Conditions:
Cardiomyopathy (CMYO). Also called: Cardiomyopathies. Identifiers: Orphanet 167848, MedGen C0878544, MONDO:0004994, HP:0001638. Inheritance: Various modes of inheritance.

Submissions (2):

CeGaT Center for Human Genetics Tuebingen
Classification: Likely benign. Last evaluated: 2026-03-01. Review status: criteria provided, single submitter. Criteria: CeGaT Center For Human Genetics Tuebingen Variant Classification Criteria Version 2. Collection method: clinical testing. Allele origin: germline. Affected: yes. Observed: 1 variant allele.
Comment: PRKAG2: PM2:Supporting, BP4, BP7

Color Diagnostics, LLC DBA Color Health
Classification: Likely benign for Cardiomyopathy. Last evaluated: 2019-06-26. Review status: criteria provided, single submitter. Criteria: ACMG Guidelines, 2015. Collection method: clinical testing. Allele origin: germline.

NM_016203.4(PRKAG2):c.675C>G (p.Pro225=)

Gene: PRKAG2 (protein kinase AMP-activated non-catalytic subunit gamma 2; minus strand). Cytogenetic location: 7q36.1.
Variant type: single nucleotide variant.
Coding change: c.675C>G on transcript NM_016203.4 (MANE Select); coding-DNA position 675, C replaced by G.
Protein change: p.Pro225=; no amino-acid change (proline 225 retained).
Molecular consequence: synonymous variant.
Genome position (GRCh38, 1-based): chr7:151,675,429, G>C on the plus strand (C>G on the coding strand, the complement: PRKAG2 is on the minus strand). VCF-style: chr7-151675429-G-C. GRCh37 (hg19) VCF-style: chr7-151372515-G-C.
Other names: c.543C>G, p.Pro181= (NM_001040633.2); c.303C>G, p.Pro101= (NM_001304527.2, NM_001363698.2).
Identifiers: ClinVar variation 924341 (VCV000924341.6), dbSNP rs1832757826, ClinGen allele CA458798276.